The following is an entry in ClinVar:

ClinVar aggregate classification (germline): Uncertain significance (1 of 4 stars; one submission).

Conditions:
Hereditary cancer-predisposing syndrome. Also called: Tumor predisposition; Hereditary Cancer Syndrome; Hereditary neoplastic syndrome; Neoplastic Syndromes, Hereditary. Identifiers: Orphanet 140162, MedGen C0027672, MeSH D009386, MONDO:0015356.

Submission:

Ambry Genetics
Classification: Uncertain significance for Hereditary cancer-predisposing syndrome. Last evaluated: 2023-08-01. Review status: criteria provided, single submitter. Criteria: Ambry Variant Classification Scheme 2023. Collection method: clinical testing. Allele origin: germline.
Comment: The p.I334M variant (also known as c.1002T>G), located in coding exon 6 of the KIT gene, results from a T to G substitution at nucleotide position 1002. The isoleucine at codon 334 is replaced by methionine, an amino acid with highly similar properties. This amino acid position is conserved. In addition, this alteration is predicted to be tolerated by in silico analysis. Since supporting evidence is limited at this time, the clinical significance of this alteration remains unclear.

NM_000222.3(KIT):c.1002T>G (p.Ile334Met)

Gene: KIT (KIT proto-oncogene, receptor tyrosine kinase; plus strand). Cytogenetic location: 4q12.
Variant type: single nucleotide variant.
Coding change: c.1002T>G on transcript NM_000222.3 (MANE Select); coding-DNA position 1002, T replaced by G.
Protein change: p.Ile334Met; replaces isoleucine 334 with methionine.
Molecular consequence: missense variant.
Genome position (GRCh38, 1-based): chr4:54,707,174, T>G. VCF-style: chr4-54707174-T-G. GRCh37 (hg19) VCF-style: chr4-55573340-T-G.
Other names: c.1002T>G, p.Ile334Met (NM_001093772.2, NM_001385285.1, NM_001385286.1); c.1005T>G, p.Ile335Met (NM_001385284.1, NM_001385288.1, NM_001385290.1 and 1 more transcripts); short protein forms I334M, I335M.
Identifiers: ClinVar variation 2587863 (VCV002587863.2), dbSNP rs1577967223, ClinGen allele CA356900932.